The following is an entry in ClinVar:

NM_004369.4(COL6A3):c.7258C>T (p.Arg2420Trp)

Gene: COL6A3 (collagen type VI alpha 3 chain; minus strand). Cytogenetic location: 2q37.3.
Variant type: single nucleotide variant.
Coding change: c.7258C>T on transcript NM_004369.4 (MANE Select); coding-DNA position 7258, C replaced by T.
Protein change: p.Arg2420Trp; replaces arginine 2420 with tryptophan.
Molecular consequence: missense variant.
Genome position (GRCh38, 1-based): chr2:237,344,760, G>A on the plus strand (C>T on the coding strand, the complement: COL6A3 is on the minus strand). VCF-style: chr2-237344760-G-A. GRCh37 (hg19) VCF-style: chr2-238253403-G-A.
Other names: c.5437C>T, p.Arg1813Trp (NM_057166.5); c.6640C>T, p.Arg2214Trp (NM_057167.4); short protein forms R2214W, R1813W.
Identifiers: ClinVar variation 94983 (VCV000094983.67), dbSNP rs150165484, ClinGen allele CA222652.

ClinVar aggregate classification (germline): Conflicting classifications of pathogenicity. Review status: criteria provided, conflicting classifications (1 of 4 stars). 9 submissions from 9 submitters: Likely pathogenic (1); Uncertain significance (4); Benign (1); Likely benign (3). Last evaluated 2026-01-12.

Conditions:
Bethlem myopathy 1A. Also called: MYOPATHY, BENIGN CONGENITAL, WITH CONTRACTURES; Bethlem myopathy 1; Bethlem Muscular Dystrophy. Identifiers: Orphanet 610, MedGen CN029274, MONDO:0024530, OMIM 158810.
Collagen 6-related myopathy. Identifiers: MedGen CN117976, MONDO:0100225.
Tip-toe gait. Also called: Toe walking. Identifiers: MedGen C0427144, HP:0030051.

Allele frequency attached by ClinVar (database versions not stated): TOPMed 0.00060; ESP Exome Variant Server 0.00062; ExAC 0.00070; gnomAD exomes 0.00082 and 0.00094; gnomAD 0.00131; 1000 Genomes Project 0.00060; 1000 Genomes Project 30x 0.00062.
gnomAD v4.1: 1,480 of 1,601,450 alleles (0.092%); highest among the groups gnomAD compares: Non-Finnish European, 0.1%; no homozygotes.

Submissions (9):

Labcorp Genetics (formerly Invitae), Labcorp
Classification: Likely benign for Bethlem myopathy 1A. Last evaluated: 2026-01-12. Review status: criteria provided, single submitter. Criteria: Invitae Variant Classification Sherloc (09022015). Collection method: clinical testing. Allele origin: germline.

Mayo Clinic Laboratories, Mayo Clinic
Classification: Uncertain significance. Last evaluated: 2025-10-23. Review status: criteria provided, single submitter. Criteria: ACMG Guidelines, 2015. Collection method: clinical testing. Allele origin: germline. Observed: 2 variant alleles.
Comment: BS1

Blueprint Genetics
Classification: Likely benign. Last evaluated: 2024-11-26. Review status: criteria provided, single submitter. Criteria: ACMG Guidelines, 2015. Collection method: clinical testing. Allele origin: germline.

CeGaT Center for Human Genetics Tuebingen
Classification: Uncertain significance. Last evaluated: 2022-11-01. Review status: criteria provided, single submitter. Criteria: CeGaT Center For Human Genetics Tuebingen Variant Classification Criteria Version 2. Collection method: clinical testing. Allele origin: germline. Affected: yes. Observed: 5 variant alleles.

Practice for Gait Abnormalities, David Pomarino, Competency Network Toe Walking C/o Practice Pomarino
Classification: Likely pathogenic for Tip-toe gait. Last evaluated: 2022-03-25. Review status: criteria provided, single submitter. Criteria: ACMG Guidelines, 2015. Collection method: clinical testing. Allele origin: germline. Affected: yes.
Comment: Our patients have a gait disorder in the form of a toe walking gait, so they show similar symptoms. When we genetically test them with our toe walking panel, we find that around 90 per cent of them have a genetic variant that explains their toe walking. These can be assigned, for example, to the area of myopathies (such as variants of the COL6A3 gene). Myopathy patients (children to the age of 14) typically suffer from hypotrophic muscles and a stress tremor but no pes cavus (Pomarino et al. 2024). Myopathy refers to diseases that affect skeletal Muscles. These diseases attack muscle fibers, making muscles weak. Inherited myopathies are often caused by inheriting an abnormal gene mutation from a parent that causes the disease. Symptoms of congenital myopathies usually start at birth or in early childhood, but may not appear until the teen years or even later in adulthood. Congenital myopathies are somewhat unique compared with other inherited myopathies, as weakness typically affects all muscles and is often not progressive. Symptoms are: Muscle weakness, most commonly of upper arms and shoulders and thighs, muscle cramps, stiffness and spasms, fatigue with exertion and lack of energy. Our patients all walk on tiptoe, so they show similar symptoms. When we genetically test them with our toe walking panel, we find that around 90 per cent of them have a genetic variant that explains their toe walking. These can be assigned, for example, to the area of myopathies (such as variants of the COL6A3 gene), the area of hereditary neuropathies (such as variants of the KMT2C gene) or the area of metabolic diseases (such as variants of the PYGM gene). In a smaller group of patients with almost identical symptoms, no abnormality is found in the genes of our panel, but spastic paraplegia can be detected. In another small group of our toe walkers, no abnormalities can be detected in the genes analysed in our toe walking panel, nor do they suffer from spastic paraplegia, as is also the case with healthy children. In contrast to these, however, they show a tiptoe gait. These patients suffer from infantile cerebral palsy, in which toe walking can also be observed.

GeneDx
Classification: Likely benign. Last evaluated: 2021-03-08. Review status: criteria provided, single submitter. Criteria: GeneDx Variant Classification Process June 2021. Collection method: clinical testing. Allele origin: germline. Affected: yes.
Comment: In silico analysis, which includes protein predictors and evolutionary conservation, supports a deleterious effect; This variant is associated with the following publications: (PMID: 30564623, 29970176, 30467950, 26004199)

Mendelics
Classification: Uncertain significance for Bethlem myopathy 1A. Last evaluated: 2019-05-28. Review status: criteria provided, single submitter. Criteria: Mendelics Assertion Criteria 2017. Collection method: clinical testing. Allele origin: unknown.

Illumina Laboratory Services, Illumina
Classification: Benign for Collagen VI-related myopathy. Last evaluated: 2018-01-13. Review status: criteria provided, single submitter. Criteria: ICSL Variant Classification Criteria 13 December 2019. Collection method: clinical testing. Allele origin: germline.
Comment: This variant was observed in the ICSL laboratory as part of a predisposition screen in an ostensibly healthy population. It had not been previously curated by ICSL or reported in the Human Gene Mutation Database (HGMD: prior to June 1st, 2018), and was therefore a candidate for classification through an automated scoring system. Utilizing variant allele frequency, disease prevalence and penetrance estimates, and inheritance mode, an automated score was calculated to assess if this variant is too frequent to cause the disease. Based on the score and internal cut-off values, a variant classified as benign is not then subjected to further curation. The score for this variant resulted in a classification of benign for this disease.

Eurofins Ntd Llc (ga)
Classification: Uncertain significance. Last evaluated: 2017-03-03. Review status: criteria provided, single submitter. Criteria: EGL Classification Definitions 2015. Collection method: clinical testing. Allele origin: germline. Observed: 11 variant alleles, 11 heterozygotes.

Literature cited by the submitters: PubMed 26004199 (cited by Mayo Clinic Laboratories, Mayo Clinic); PubMed 29970176 (cited by Mayo Clinic Laboratories, Mayo Clinic); PubMed 30467950 (cited by Mayo Clinic Laboratories, Mayo Clinic); PubMed 30564623 (cited by Mayo Clinic Laboratories, Mayo Clinic); PubMed 34720847 (cited by Mayo Clinic Laboratories, Mayo Clinic); PubMed 35925398 (cited by Mayo Clinic Laboratories, Mayo Clinic); PubMed 37091313 (cited by Practice for Gait Abnormalities, David Pomarino, Competency Network Toe Walking C/o Practice Pomarino).